The following is an entry in ClinVar:

NM_033266.4(ERN2):c.1029T>A (p.Ala343=)

Gene: ERN2 (endoplasmic reticulum to nucleus signaling 2; minus strand). Cytogenetic location: 16p12.2.
Variant type: single nucleotide variant.
Coding change: c.1029T>A on transcript NM_033266.4 (MANE Select); coding-DNA position 1029, T replaced by A.
Protein change: p.Ala343=; no amino-acid change (alanine 343 retained).
Molecular consequence: synonymous variant.
Genome position (GRCh38, 1-based): chr16:23,702,442, A>T on the plus strand (T>A on the coding strand, the complement: ERN2 is on the minus strand). VCF-style: chr16-23702442-A-T. GRCh37 (hg19) VCF-style: chr16-23713763-A-T.
Other names: c.1029T>A, p.Ala343= (NM_001308220.2).
Identifiers: ClinVar variation 2646328 (VCV002646328.24), dbSNP rs140521756, ClinGen allele CA7965317.
Genomic context (GRCh38, chr16:23,702,442, plus strand): 5'-GATCTCACCAATGAGCAGCCACTGGCTTGGGAGGGCCACACTGCCTGAGGGGTATCTAAC[A>T]GCAGTGCTGGGTGAGCCCTCTCGCTCTCCTGAGACTTGGAGTGTCACCTCATCTGTGGTG-3'
Protein context (NP_150296.4, residues 333-353): SGEREGSPST[Ala343=]VRYPSGSVAL

ClinVar aggregate classification (germline): Likely benign (1 of 4 stars; one submission).

Allele frequency attached by ClinVar (database versions not stated): ESP Exome Variant Server 0.00038; TOPMed 0.00045; ExAC 0.00053; gnomAD 0.00059.
gnomAD v4.1: 742 of 1,613,644 alleles (0.046%); highest among the groups gnomAD compares: Non-Finnish European, 0.058%; no homozygotes.

Submission:

CeGaT Center for Human Genetics Tuebingen
Classification: Likely benign. Last evaluated: 2022-10-01. Review status: criteria provided, single submitter. Criteria: CeGaT Center For Human Genetics Tuebingen Variant Classification Criteria Version 2. Collection method: clinical testing. Allele origin: germline. Affected: yes. Observed: 1 variant allele.
Comment: ERN2: BP4, BP7